The following is an entry in ClinVar:

Conditions:
Breast-ovarian cancer, familial, susceptibility to, 1 (BROVCA1). Also called: BRCA1 Hereditary Breast and Ovarian Cancer; OVARIAN CANCER, SUSCEPTIBILITY TO. Identifiers: Orphanet 145, MedGen C2676676, MONDO:0011450, OMIM 604370. Disease mechanism: loss of function.

Submission:

Brotman Baty Institute, University of Washington
No classification provided (evidence only). Condition: Breast-ovarian cancer, familial 1. Review status: no classification provided. Collection method: in vitro. Allele origin: not applicable. Functional consequence: functionally_normal.
ClinVar note: "not provided" was previously submitted as the classification for the variant. However, the classification appeared to be based only on an observation of functional data so it was converted to no classification on 2025-07-30.

NM_007294.4(BRCA1):c.301+8T>G

Gene: BRCA1 (BRCA1 DNA repair associated; minus strand). Cytogenetic location: 17q21.31.
Variant type: single nucleotide variant.
Coding change: c.301+8T>G on transcript NM_007294.4 (MANE Select); 8 bases into the intron after coding-DNA position 301, T replaced by G.
Molecular consequence: intron variant.
Genome position (GRCh38, 1-based): chr17:43,104,860, A>C on the plus strand (T>G on the coding strand, the complement: BRCA1 is on the minus strand). VCF-style: chr17-43104860-A-C. GRCh37 (hg19) VCF-style: chr17-41256877-A-C.
Other names: c.160+8T>G (NM_001408458.1, NM_001407931.1, NM_001407747.1 and 99 more transcripts); c.-218-10000T>G (NM_001407967.1, NM_001407966.1); c.-81+8T>G (NM_001407959.1, NM_001407962.1, NM_001408512.1 and 4 more transcripts); c.91+8T>G (NM_001407885.1, NM_001407886.1, NM_001407898.1 and 58 more transcripts); c.301+8T>G (NM_001407686.1, NM_001408397.1, NM_001407632.1 and 164 more transcripts); c.169+8T>G (NM_001408451.1); c.223+8T>G (NM_001408475.1, NM_001407875.1, NM_001407659.1 and 21 more transcripts); c.292+17T>G (NM_001408408.1, NM_001407647.1, NM_001407646.1).
Identifiers: ClinVar variation 868372 (VCV000868372.3), dbSNP rs80358101, ClinGen allele CA916080803.